The following is an entry in ClinVar:

NM_001242882.2(NAXD):c.715C>T (p.Gln239Ter)

Gene: NAXD (NAD(P)HX dehydratase; plus strand). Cytogenetic location: 13q34.
Variant type: single nucleotide variant.
Coding change: c.715C>T on transcript NM_001242882.2 (MANE Select); coding-DNA position 715, C replaced by T.
Protein change: p.Gln239Ter; replaces glutamine 239 with a stop codon.
Molecular consequence: nonsense. On other transcripts: non-coding transcript variant (2).
Genome position (GRCh38, 1-based): chr13:110,635,585, C>T. VCF-style: chr13-110635585-C-T. GRCh37 (hg19) VCF-style: chr13-111287932-C-T.
Other names: c.769C>T, p.Gln257Ter (NM_001242881.2, NM_018210.4); c.439C>T, p.Gln147Ter (NM_001242883.2); short protein forms Q147*, Q239*, Q257*.
Identifiers: ClinVar variation 1683695 (VCV001683695.2), dbSNP rs1331075407, ClinGen allele CA388734872.

ClinVar aggregate classification (germline): Likely pathogenic (1 of 4 stars; one submission).

Conditions:
NAD(P)HX dehydratase deficiency. Also called: Encephalopathy, progressive, early-onset, with brain edema and/or leukoencephalopathy, 2. Identifiers: Orphanet 555402, MedGen C5193026, MONDO:0034121, OMIM 618321.

Submission:

Laboratorio de Genetica e Diagnostico Molecular, Hospital Israelita Albert Einstein
Classification: Likely pathogenic for NAD(P)HX dehydratase deficiency. Last evaluated: 2021-07-12. Review status: criteria provided, single submitter. Criteria: ACMG Guidelines, 2015. Collection method: clinical testing. Allele origin: germline. Affected: yes.
Comment: ACMG classification criteria: PVS1 very strong, PM2 moderate